The following is an entry in ClinVar:

NM_000245.4(MET):c.3033G>A (p.Gln1011=)

Gene: MET (MET proto-oncogene, receptor tyrosine kinase; plus strand). Cytogenetic location: 7q31.2.
Variant type: single nucleotide variant.
Coding change: c.3033G>A on transcript NM_000245.4 (MANE Select); coding-DNA position 3033, G replaced by A.
Protein change: p.Gln1011=; no amino-acid change (glutamine 1011 retained).
Molecular consequence: synonymous variant.
Genome position (GRCh38, 1-based): chr7:116,774,885, G>A. VCF-style: chr7-116774885-G-A. GRCh37 (hg19) VCF-style: chr7-116414939-G-A.
Other names: c.3087G>A, p.Gln1029= (NM_001127500.3); c.1743G>A, p.Gln581= (NM_001324402.2).
Identifiers: ClinVar variation 3294296 (VCV003294296.3).

ClinVar aggregate classification (germline): Benign/Likely benign. Review status: criteria provided, multiple submitters, no conflicts (2 of 4 stars). 3 submissions from 3 submitters: Benign (1); Likely benign (2). Last evaluated 2025-12-20.

Conditions:
Hereditary cancer-predisposing syndrome. Also called: Tumor predisposition; Hereditary Cancer Syndrome; Hereditary neoplastic syndrome; Neoplastic Syndromes, Hereditary. Identifiers: Orphanet 140162, MedGen C0027672, MeSH D009386, MONDO:0015356.
Renal cell carcinoma. Identifiers: Orphanet 217071, MedGen C0007134, MeSH D002292, MONDO:0005086, HP:0005584.
Papillary renal cell carcinoma type 1 (RCCP1). Also called: RENAL CELL CARCINOMA, PAPILLARY, 1, SOMATIC; Renal adenocarcinoma; Renal cell carcinoma 1; Renal cell carcinoma, somatic. Identifiers: Orphanet 47044, MedGen C1336839, OMIM 605074, HP:0011797.

gnomAD v4.1: 1 of 1,613,612 alleles (0.000062%); highest among the groups gnomAD compares: African/African-American, 0.0013%; no homozygotes.

Submissions (3):

Labcorp Genetics (formerly Invitae), Labcorp
Classification: Likely benign for Renal cell carcinoma. Last evaluated: 2025-12-20. Review status: criteria provided, single submitter. Criteria: Invitae Variant Classification Sherloc (09022015). Collection method: clinical testing. Allele origin: germline.

Myriad Genetics, Inc.
Classification: Benign for Papillary renal cell carcinoma type 1. Last evaluated: 2024-11-12. Review status: criteria provided, single submitter. Criteria: Myriad Autosomal Dominant, Autosomal Recessive and X-Linked Classification Criteria (2023). Collection method: clinical testing. Allele origin: unknown.
Comment: This variant is considered benign. This variant is a silent/synonymous amino acid change and it is not expected to impact splicing.

Ambry Genetics
Classification: Likely benign for Hereditary cancer-predisposing syndrome. Last evaluated: 2024-04-07. Review status: criteria provided, single submitter. Criteria: Ambry Variant Classification Scheme 2023. Collection method: clinical testing. Allele origin: germline.